The following is an entry in ClinVar:

NM_001384474.1(LOXHD1):c.382G>C (p.Val128Leu)

Gene: LOXHD1 (lipoxygenase homology PLAT domains 1; minus strand). Cytogenetic location: 18q21.1.
Variant type: single nucleotide variant.
Coding change: c.382G>C on transcript NM_001384474.1 (MANE Select); coding-DNA position 382, G replaced by C.
Protein change: p.Val128Leu; replaces valine 128 with leucine.
Molecular consequence: missense variant.
Genome position (GRCh38, 1-based): chr18:46,639,745, C>G on the plus strand (G>C on the coding strand, the complement: LOXHD1 is on the minus strand). VCF-style: chr18-46639745-C-G. GRCh37 (hg19) VCF-style: chr18-44219708-C-G.
Other names: c.382G>C, p.Val128Leu (NM_144612.7); short protein forms V128L.
Identifiers: ClinVar variation 597888 (VCV000597888.6), dbSNP rs775431645, ClinGen allele CA299810415.

ClinVar aggregate classification (germline): Uncertain significance. Review status: criteria provided, multiple submitters, no conflicts (2 of 4 stars). 2 submissions from 2 submitters: Uncertain significance (2). Last evaluated 2021-09-01.

Allele frequency attached by ClinVar (database versions not stated): gnomAD 0.00001; TOPMed 0.00002.
gnomAD v4.1: 3 of 1,551,594 alleles (0.00019%); highest among the groups gnomAD compares: African/African-American, 0.0041%; no homozygotes.

Submissions (2):

Labcorp Genetics (formerly Invitae), Labcorp
Classification: Uncertain significance. Last evaluated: 2021-09-01. Review status: criteria provided, single submitter. Criteria: Invitae Variant Classification Sherloc (09022015). Collection method: clinical testing. Allele origin: germline.
Comment: This sequence change replaces valine with leucine at codon 128 of the LOXHD1 protein (p.Val128Leu). The valine residue is weakly conserved and there is a small physicochemical difference between valine and leucine. This variant is not present in population databases (ExAC no frequency). This variant has not been reported in the literature in individuals affected with LOXHD1-related conditions. ClinVar contains an entry for this variant (Variation ID: 597888). Algorithms developed to predict the effect of missense changes on protein structure and function output the following: SIFT: "Deleterious"; PolyPhen-2: "Benign"; Align-GVGD: "Class C0". The leucine amino acid residue is found in multiple mammalian species, which suggests that this missense change does not adversely affect protein function. In summary, the available evidence is currently insufficient to determine the role of this variant in disease. Therefore, it has been classified as a Variant of Uncertain Significance.

Eurofins Ntd Llc (ga)
Classification: Uncertain significance. Last evaluated: 2018-07-06. Review status: criteria provided, single submitter. Criteria: EGL ClinVar v180209 classification definitions. Collection method: clinical testing. Allele origin: germline. Observed: 1 variant allele, 1 heterozygote.